The following is an entry in ClinVar:

NM_032608.7(MYO18B):c.4604G>A (p.Arg1535His)

Genes: MYO18B (myosin XVIIIB; plus strand), MYO18B-AS1 (MYO18B antisense RNA 1; minus strand). Cytogenetic location: 22q12.1.
Variant type: single nucleotide variant.
Coding change: c.4604G>A on transcript NM_032608.7 (MANE Select); coding-DNA position 4604, G replaced by A.
Protein change: p.Arg1535His; replaces arginine 1535 with histidine.
Molecular consequence: missense variant.
Genome position (GRCh38, 1-based): chr22:25,895,216, G>A. VCF-style: chr22-25895216-G-A. GRCh37 (hg19) VCF-style: chr22-26291183-G-A.
Other names: c.4604G>A (NM_032608.5, NM_032608.6); c.4607G>A, p.Arg1536His (NM_001318245.2); short protein forms R1535H, R1536H.
Identifiers: ClinVar variation 1386627 (VCV001386627.10), dbSNP rs757686311, ClinGen allele CA10160930.

ClinVar aggregate classification (germline): Uncertain significance. Review status: criteria provided, multiple submitters, no conflicts (2 of 4 stars). 4 submissions from 4 submitters: Uncertain significance (4). Last evaluated 2025-12-01.

Conditions:
Inborn genetic diseases. Identifiers: MedGen C0950123, MeSH D030342.
MYO18B-related disorder. Also called: MYO18B-related condition.
Klippel-Feil anomaly-myopathy-facial dysmorphism syndrome. Also called: Klippel-Feil syndrome 4, autosomal recessive, with myopathy and facial dysmorphism; Klippel-feil syndrome 4, autosomal recessive, with nemaline myopathy and facial dysmorphism. Identifiers: Orphanet 447974, MedGen C4225285, MONDO:0014689, OMIM 616549.

Allele frequency attached by ClinVar (database versions not stated): gnomAD 0.00003; gnomAD exomes 0.00003; ExAC 0.00006; TOPMed 0.00006.
gnomAD v4.1: 52 of 1,610,444 alleles (0.0032%); highest among the groups gnomAD compares: East Asian, 0.016%; no homozygotes.

Submissions (4):

Labcorp Genetics (formerly Invitae), Labcorp
Classification: Uncertain significance. Last evaluated: 2025-12-01. Review status: criteria provided, single submitter. Criteria: Invitae Variant Classification Sherloc (09022015). Collection method: clinical testing. Allele origin: germline.
Comment: This sequence change replaces arginine, which is basic and polar, with histidine, which is basic and polar, at codon 1535 of the MYO18B protein (p.Arg1535His). This variant is present in population databases (rs757686311, gnomAD 0.02%). This variant has not been reported in the literature in individuals affected with MYO18B-related conditions. ClinVar contains an entry for this variant (Variation ID: 1386627). An algorithm developed to predict the effect of missense changes on protein structure and function (PolyPhen-2) suggests that this variant is likely to be disruptive. In summary, the available evidence is currently insufficient to determine the role of this variant in disease. Therefore, it has been classified as a Variant of Uncertain Significance.

PreventionGenetics, part of Exact Sciences
Classification: Uncertain significance for MYO18B-related condition. Last evaluated: 2025-10-12. Review status: criteria provided, single submitter. Criteria: ACMG Guidelines, 2015. Collection method: clinical testing. Allele origin: germline.
Comment: The MYO18B c.4604G>A variant is predicted to result in the amino acid substitution p.Arg1535His. To our knowledge, this variant has not been reported in the literature. This variant is reported in 0.023% of alleles in individuals of East Asian descent in gnomAD. At this time, the clinical significance of this variant is uncertain due to the absence of conclusive functional and genetic evidence.

Ambry Genetics
Classification: Uncertain significance for Inborn genetic diseases. Last evaluated: 2025-01-18. Review status: criteria provided, single submitter. Criteria: Ambry Variant Classification Scheme 2023. Collection method: clinical testing. Allele origin: germline.

Revvity Omics, Revvity
Classification: Uncertain significance for Klippel-Feil anomaly-myopathy-facial dysmorphism syndrome. Last evaluated: 2024-09-19. Review status: criteria provided, single submitter. Criteria: ACMG Guidelines, 2015. Collection method: clinical testing. Allele origin: germline.